The following is an entry in ClinVar:

ClinVar aggregate classification (germline): Pathogenic. Review status: reviewed by expert panel (3 of 4 stars). 17 submissions from 17 submitters: Pathogenic (1). 16 of the submissions do not count toward it. Last evaluated 2017-03-17.

Conditions:
CFTR-related disorder (CFTR-RD). Also called: CFTR-related condition; CFTR-related disorders. Identifiers: MedGen C5924204, MONDO:7770004.
Bronchiectasis with or without elevated sweat chloride 1 (BESC1). Also called: Cystic Fibrosis-Like Syndrome. Identifiers: Orphanet 60033, MedGen C2749757, MONDO:0008887, OMIM 211400.
Cystic fibrosis (CF). Also called: MUCOVISCIDOSIS. Identifiers: Orphanet 586, MedGen C0010674, MONDO:0009061, OMIM 219700. Disease mechanism: loss of function.

Submissions 1 to 15 of 17:

CFTR2
Classification: Pathogenic for Cystic fibrosis. Last evaluated: 2017-03-17. Review status: reviewed by expert panel. Criteria: Sosnay PR et al. (Nat Genet 2013). Collection method: research. Allele origin: germline. Affected: yes. Study: CFTR2.

Natera, Inc.
Classification: Pathogenic for CFTR-related disorders. Last evaluated: 2025-07-25. Review status: criteria provided, single submitter. Criteria: Natera Variant Classification Schema (03/2026). Collection method: clinical testing. Allele origin: germline. Not counted in ClinVar's aggregate classification.
Comment: The c.1418delG variant in CFTR is a frameshift variant predicted to shift the reading frame beginning at codon 473 and leads to a stop codon 54 codons downstream. This variant is expected to result in nonsense mediated decay, truncation, or a dysfunctional protein product. This variant is rare in the general population with a frequency below the threshold expected for the associated phenotype(s). Given the available evidence, this variant is classified as Pathogenic.

Labcorp Genetics (formerly Invitae), Labcorp
Classification: Pathogenic for Cystic fibrosis. Last evaluated: 2025-05-27. Review status: criteria provided, single submitter. Criteria: Invitae Variant Classification Sherloc (09022015). Collection method: clinical testing. Allele origin: germline. Not counted in ClinVar's aggregate classification.
Comment: This sequence change creates a premature translational stop signal (p.Gly473Glufs*54) in the CFTR gene. It is expected to result in an absent or disrupted protein product. Loss-of-function variants in CFTR are known to be pathogenic (PMID: 1695717, 7691345, 9725922). This variant is not present in population databases (gnomAD no frequency). This premature translational stop signal has been observed in individual(s) with cystic fibrosis (PMID: 9429141, 21198395, 23974870, 26708955, 26905352). This variant is also known as 1548delG. ClinVar contains an entry for this variant (Variation ID: 53251). For these reasons, this variant has been classified as Pathogenic.

PreventionGenetics, part of Exact Sciences
Classification: Pathogenic for CFTR-related condition. Last evaluated: 2025-02-03. Review status: criteria provided, single submitter. Criteria: ACMG Guidelines, 2015. Collection method: clinical testing. Allele origin: germline. Not counted in ClinVar's aggregate classification.
Comment: The CFTR c.1418delG variant is predicted to result in a frameshift and premature protein termination (p.Gly473Glufs*54). This variant has been repeatedly documented as causative for cystic fibrosis, and is thought to be one of the most common pathogenic variants in CFTR among Arab populations (el-Harith et al. 1997. PubMed ID: 9429141; Kambouris et al. 2000. PubMed ID: 10834512; Sosnay et al. 2013. PubMed ID: 23974870). This variant has not been reported in a large population database (gnomAD), indicating this variant is rare. Frameshift variants in CFTR are expected to be pathogenic. This variant is interpreted as pathogenic.

Quest Diagnostics Nichols Institute San Juan Capistrano
Classification: Pathogenic. Last evaluated: 2025-01-31. Review status: criteria provided, single submitter. Criteria: Quest Diagnostics criteria. Collection method: clinical testing. Allele origin: unknown. Not counted in ClinVar's aggregate classification.
Comment: This frameshift variant alters the translational reading frame of the CFTR mRNA and causes the premature termination of CFTR protein synthesis. The frequency of this variant in the general population, 0.0000066 (1/152160 chromosomes), is consistent with pathogenicity. In the published literature, the variant has been reported in multiple individuals with cystic fibrosis (CF) (PMID: 9429141 (1997), 10834512 (2000), 11924117 (1999), 17331079 (2007), 21198395 (2010), 23974870 (2013), 26708955 (2016), 26905352 (2016), 28040058 (2016), 37777263 (2023), 38744777 (2024)). Based on the available information, this variant is classified as pathogenic.

Ambry Genetics
Classification: Pathogenic for Cystic fibrosis. Last evaluated: 2024-10-28. Review status: criteria provided, single submitter. Criteria: Ambry Variant Classification Scheme 2023. Collection method: clinical testing. Allele origin: germline. Not counted in ClinVar's aggregate classification.
Comment: The c.1418delG pathogenic mutation, located in coding exon 11 of the CFTR gene, results from a deletion of one nucleotide at nucleotide position 1418, causing a translational frameshift with a predicted alternate stop codon (p.G473Efs*54). This mutation was first described in two affected individuals with pancreatic insufficiency in Saudi Arabia; one individual was compound heterozygous with a deleterious mutation, but a second alteration was not identified in the other individual (el-Harith EA et al. J. Med. Genet., 1997 Dec;34:996-9). Another study determined this was one of the most common disease-causing mutations in the Saudi Arabian population, accounting for 17% of disease alleles (Kambouris M et al. Eur. J. Pediatr., 2000 May;159:303-9). In addition to the clinical data presented in the literature, this alteration is expected to result in loss of function by premature protein truncation or nonsense-mediated mRNA decay. As such, this alteration is interpreted as a disease-causing mutation.

Genomic Medicine Center of Excellence, King Faisal Specialist Hospital and Research Centre
Classification: Pathogenic for Cystic fibrosis. Last evaluated: 2024-03-26. Review status: criteria provided, single submitter. Criteria: ACMG Guidelines, 2015. Collection method: clinical testing. Allele origin: germline. Not counted in ClinVar's aggregate classification.

Baylor Genetics
Classification: Pathogenic for Bronchiectasis with or without elevated sweat chloride 1. Last evaluated: 2023-11-06. Review status: criteria provided, single submitter. Criteria: ACMG Guidelines, 2015. Collection method: clinical testing. Allele origin: unknown. Not counted in ClinVar's aggregate classification.

3billion
Classification: Pathogenic for Cystic fibrosis. Last evaluated: 2023-08-11. Review status: criteria provided, single submitter. Criteria: ACMG Guidelines, 2015. Collection method: clinical testing. Allele origin: germline. Affected: yes. Not counted in ClinVar's aggregate classification.
Comment: The variant is not observed in the gnomAD v2.1.1 dataset. Predicted Consequence/Location: Frameshift: predicted to result in a loss or disruption of normal protein function through nonsense-mediated decay (NMD) or protein truncation. Multiple pathogenic variants are reported downstream of the variant. The variant has been reported multiple times as an established pathogenic variant (ClinVar ID: VCV000053251 /PMID: 9429141). Therefore, this variant is classified as Pathogenic according to the recommendation of ACMG/AMP guideline.

Laboratory for Molecular Medicine, Mass General Brigham Personalized Medicine
Classification: Pathogenic for Cystic fibrosis. Last evaluated: 2022-11-03. Review status: criteria provided, single submitter. Criteria: ACMG Guidelines, 2015. Collection method: clinical testing. Allele origin: germline. Not counted in ClinVar's aggregate classification.
Comment: The c.1418delG (p.Gly473Glufs*54) variant in CFTR (also known as c.1548delG) has been reported in at least 12 individuals with cystic fibrosis from 10 Saudi families, in both the homozygous state and in the heterozygous state with the p.Asn1303Lys variant (El-Harith 1997 PMID: 9429141, Banjar 1999 PMID: 11924117, Monies 1029 PMID: 31130284). It has also been identified in 0.0024% (1/41454) of African/African American chromosomes by gnomAD; however, this frequency is low enough to be consistent with a recessive allele frequency. This variant has also been reported in ClinVar (Variation ID 53251). This variant is predicted to cause a frameshift, which alters the protein’s amino acid sequence beginning at position 473 and leads to a premature termination codon 54 amino acids downstream. Loss of function of the CFTR gene is an established disease mechanism in autosomal recessive cystic fibrosis. In summary, this variant meets criteria to be classified as pathogenic for autosomal recessive cystic fibrosis. ACMG/AMP Criteria applied: PVS1, PM3, PM2_Supporting.

Revvity Omics, Revvity
Classification: Pathogenic. Last evaluated: 2022-07-29. Review status: criteria provided, single submitter. Criteria: ACMG Guidelines, 2015. Collection method: clinical testing. Allele origin: germline. Not counted in ClinVar's aggregate classification.

AiLife Diagnostics
Classification: Pathogenic. Last evaluated: 2022-03-02. Review status: criteria provided, single submitter. Criteria: ACMG Guidelines, 2015. Collection method: clinical testing. Allele origin: germline. Affected: yes. Observed: 1 variant allele. Not counted in ClinVar's aggregate classification.

Blueprint Genetics
Classification: Pathogenic for CFTR-related disorders. Last evaluated: 2019-11-23. Review status: criteria provided, single submitter. Criteria: ACMG Guidelines, 2015. Collection method: clinical testing. Allele origin: germline. Affected: yes. Observed: 1 variant allele. Not counted in ClinVar's aggregate classification.

Mayo Clinic Laboratories, Mayo Clinic
Classification: Pathogenic. Last evaluated: 2019-10-08. Review status: criteria provided, single submitter. Criteria: ACMG Guidelines, 2015. Collection method: clinical testing. Allele origin: germline. Observed: 1 variant allele. Not counted in ClinVar's aggregate classification.
Comment: PVS1, PM2, PP4, PP5

CFTR-France
Classification: Pathogenic for cystic fibrosis. Last evaluated: 2018-01-29. Review status: criteria provided, single submitter. Criteria: Claustres M et al. (Hum Mutat 2017). Collection method: curation. Allele origin: germline. Affected: yes. Not counted in ClinVar's aggregate classification.

NM_000492.4(CFTR):c.1418del (p.Gly473fs)

Genes: CFTR (CF transmembrane conductance regulator; plus strand), CFTR-AS1 (CFTR antisense RNA 1; minus strand). Cytogenetic location: 7q31.2.
Variant type: Deletion.
Coding change: c.1418del on transcript NM_000492.4 (MANE Select); coding-DNA position 1418, one base deleted (G; older notation c.1418delG).
Protein change: p.Gly473fs; shifts the reading frame from glycine 473.
Molecular consequence: frameshift variant.
Genome position (GRCh38, 1-based): chr7:117,559,489, G deleted; the last of 3 consecutive G bases (chr7:117,559,487-117,559,489); deleting any one gives the same sequence. VCF-style (leftmost placement, unchanged base first): chr7-117559486-TG-T. GRCh37 (hg19) VCF-style: chr7-117199540-TG-T.
Other names: 1548delG; c.1418delG (NM_000492.3).
Identifiers: ClinVar variation 53251 (VCV000053251.33), dbSNP rs397508205, ClinGen allele CA326480.
Genomic context (GRCh38, chr7:117,559,486, plus strand): 5'-TTTGATAATGACCTAATAATGATGGGTTTTATTTCCAGACTTCACTTCTAATGGTGATTA[TG>T]GGAGAACTGGAGCCTTCAGAGGGTAAAATTAAGCACAGTGGAAGAATTTCATTCTGTTCT-3'